The following is an entry in ClinVar:

NM_004360.5(CDH1):c.182_183delinsGTG (p.Thr61fs)

Gene: CDH1 (cadherin 1; plus strand). Cytogenetic location: 16q22.1.
Variant type: Indel.
Coding change: c.182_183delinsGTG on transcript NM_004360.5 (MANE Select); coding-DNA positions 182 to 183, CC replaced by GTG.
Protein change: p.Thr61fs; shifts the reading frame from threonine 61.
Molecular consequence: frameshift variant. On other transcripts: 5 prime UTR variant (2).
Genome position (GRCh38, 1-based): chr16:68,801,688-68,801,689, CC replaced by GTG. VCF-style: chr16-68801688-CC-GTG. GRCh37 (hg19) VCF-style: chr16-68835591-CC-GTG.
Other names: c.182_183delinsGTG, p.Thr61fs (NM_001317184.2); c.-1434_-1433delinsGTG (NM_001317185.2); c.-1638_-1637delinsGTG (NM_001317186.2); short protein forms T61fs.
Identifiers: ClinVar variation 2567618 (VCV002567618.3), dbSNP rs2543904567, ClinGen allele CA2580612820.

ClinVar aggregate classification (germline): Pathogenic. Review status: criteria provided, multiple submitters, no conflicts (2 of 4 stars). 2 submissions from 2 submitters: Pathogenic (2). Last evaluated 2024-08-13.

Conditions:
Hereditary cancer-predisposing syndrome. Also called: Hereditary neoplastic syndrome; Hereditary Cancer Syndrome; Neoplastic Syndromes, Hereditary; Tumor predisposition. Identifiers: Orphanet 140162, MedGen C0027672, MeSH D009386, MONDO:0015356.

Submissions (2):

ARUP Laboratories, Molecular Genetics and Genomics, ARUP Laboratories
Classification: Pathogenic. Last evaluated: 2024-08-13. Review status: criteria provided, single submitter. Criteria: ARUP Molecular Germline Variant Investigation Process 2024. Collection method: clinical testing. Allele origin: germline.
Comment: The CDH1 c.182_183delinsGTG; p.Thr61SerfsTer33 variant, to our knowledge, is not reported in the medical literature but is reported in ClinVar (Variation ID: 2567618). This variant is also absent from the Genome Aggregation Database (v2.1.1), indicating it is not a common polymorphism. This variant causes a frameshift by deleting two nucleotides and inserting three nucleotides, so it is predicted to result in a truncated protein or mRNA subject to nonsense-mediated decay. Additionally, several downstream truncating variants have been described in individuals with hereditary diffuse gastric cancer and are considered pathogenic (Guilford 2010). Based on available information, this variant is considered to be pathogenic. References: Guilford P et al. Hereditary diffuse gastric cancer: translation of CDH1 germline mutations into clinical practice. Gastric Cancer. 2010 Mar;13(1):1-10. PMID: 20373070.

Ambry Genetics
Classification: Pathogenic for Hereditary cancer-predisposing syndrome. Last evaluated: 2023-05-25. Review status: criteria provided, single submitter. Criteria: Ambry Variant Classification Scheme 2023. Collection method: clinical testing. Allele origin: germline.
Comment: The c.182_183delCCinsGTG pathogenic mutation, located in coding exon 3 of the CDH1 gene, results from the deletion of two nucleotides and insertion of 3 nucleotides causing a translational frameshift with a predicted alternate stop codon (p.T61Sfs*33). This variant was reported in 1/60,466 breast cancer cases and in 0/53,461 controls (Dorling et al. N Engl J Med 2021 02;384:428-439). This variant is considered to be rare based on population cohorts in the Genome Aggregation Database (gnomAD). In addition to the clinical data presented in the literature, this alteration is expected to result in loss of function by premature protein truncation or nonsense-mediated mRNA decay. As such, this alteration is interpreted as a disease-causing mutation.

Literature cited by the submitters: PubMed 33471991 (cited by Ambry Genetics).